The following is an entry in ClinVar:

NM_017654.4(SAMD9):c.1801A>T (p.Ile601Phe)

Gene: SAMD9 (sterile alpha motif domain containing 9; minus strand). Cytogenetic location: 7q21.2.
Variant type: single nucleotide variant.
Coding change: c.1801A>T on transcript NM_017654.4 (MANE Select); coding-DNA position 1801, A replaced by T.
Protein change: p.Ile601Phe; replaces isoleucine 601 with phenylalanine.
Molecular consequence: missense variant.
Genome position (GRCh38, 1-based): chr7:93,104,297, T>A on the plus strand (A>T on the coding strand, the complement: SAMD9 is on the minus strand). VCF-style: chr7-93104297-T-A. GRCh37 (hg19) VCF-style: chr7-92733610-T-A.
Other names: c.1801A>T, p.Ile601Phe (NM_001193307.2); short protein forms I601F.
Identifiers: ClinVar variation 4863792 (VCV004863792.1).

ClinVar aggregate classification (germline): Uncertain significance (1 of 4 stars; one submission).

Conditions:
Inborn genetic diseases. Identifiers: MedGen C0950123, MeSH D030342.

Submission:

Ambry Genetics
Classification: Uncertain significance for Inborn genetic diseases. Last evaluated: 2026-04-02. Review status: criteria provided, single submitter. Criteria: Ambry Variant Classification Scheme 2023. Collection method: clinical testing. Allele origin: germline.
Comment: The p.I601F variant (also known as c.1801A>T), located in coding exon 1 of the SAMD9 gene, results from an A to T substitution at nucleotide position 1801. The isoleucine at codon 601 is replaced by phenylalanine, an amino acid with highly similar properties. This amino acid position is conserved. In addition, this alteration is predicted to be tolerated by in silico analysis. Based on the available evidence, the clinical significance of this variant remains unclear.